The following is an entry in ClinVar:

ClinVar aggregate classification (germline): Uncertain significance (1 of 4 stars; one submission).

Conditions:
Dyskeratosis congenita. Identifiers: Orphanet 1775, MedGen C0265965, MONDO:0015780.

Allele frequency attached by ClinVar (database versions not stated): gnomAD 0.00001; gnomAD exomes 0.00001; TOPMed 0.00002.
gnomAD v4.1: 22 of 1,613,744 alleles (0.0014%); highest among the groups gnomAD compares: East Asian, 0.0067%; no homozygotes.

Submission:

Labcorp Genetics (formerly Invitae), Labcorp
Classification: Uncertain significance for Dyskeratosis congenita. Last evaluated: 2025-06-11. Review status: criteria provided, single submitter. Criteria: Invitae Variant Classification Sherloc (09022015). Collection method: clinical testing. Allele origin: germline.
Comment: This sequence change replaces isoleucine, which is neutral and non-polar, with valine, which is neutral and non-polar, at codon 1072 of the CTC1 protein (p.Ile1072Val). This variant is present in population databases (no rsID available, gnomAD 0.02%). This variant has not been reported in the literature in individuals affected with CTC1-related conditions. ClinVar contains an entry for this variant (Variation ID: 2150190). Invitae Evidence Modeling of protein sequence and biophysical properties (such as structural, functional, and spatial information, amino acid conservation, physicochemical variation, residue mobility, and thermodynamic stability) indicates that this missense variant is not expected to disrupt CTC1 protein function with a negative predictive value of 80%. In summary, the available evidence is currently insufficient to determine the role of this variant in disease. Therefore, it has been classified as a Variant of Uncertain Significance.

NM_025099.6(CTC1):c.3214A>G (p.Ile1072Val)

Gene: CTC1 (CST telomere replication complex component 1; minus strand). Cytogenetic location: 17p13.1.
Variant type: single nucleotide variant.
Coding change: c.3214A>G on transcript NM_025099.6 (MANE Select); coding-DNA position 3214, A replaced by G.
Protein change: p.Ile1072Val; replaces isoleucine 1072 with valine.
Molecular consequence: missense variant.
Genome position (GRCh38, 1-based): chr17:8,229,149, T>C on the plus strand (A>G on the coding strand, the complement: CTC1 is on the minus strand). VCF-style: chr17-8229149-T-C. GRCh37 (hg19) VCF-style: chr17-8132467-T-C.
Other names: short protein forms I1072V.
Identifiers: ClinVar variation 2150190 (VCV002150190.4), dbSNP rs1394238055, ClinGen allele CA397969572.